The following is an entry in ClinVar:

ClinVar aggregate classification (germline): Uncertain significance (1 of 4 stars; one submission).

Allele frequency attached by ClinVar (database versions not stated): gnomAD exomes below 0.00001; gnomAD 0.00001; TOPMed 0.00001.
gnomAD v4.1: 4 of 1,490,916 alleles (0.00027%); highest among the groups gnomAD compares: Admixed American, 0.0029%; no homozygotes.

Submission:

Labcorp Genetics (formerly Invitae), Labcorp
Classification: Uncertain significance. Last evaluated: 2022-06-25. Review status: criteria provided, single submitter. Criteria: Invitae Variant Classification Sherloc (09022015). Collection method: clinical testing. Allele origin: germline.
Comment: In summary, the available evidence is currently insufficient to determine the role of this variant in disease. Therefore, it has been classified as a Variant of Uncertain Significance. Algorithms developed to predict the effect of missense changes on protein structure and function (SIFT, PolyPhen-2, Align-GVGD) all suggest that this variant is likely to be tolerated. This variant has not been reported in the literature in individuals affected with SBF1-related conditions. This variant is present in population databases (no rsID available, gnomAD 0.1%). This sequence change replaces threonine, which is neutral and polar, with isoleucine, which is neutral and non-polar, at codon 1284 of the SBF1 protein (p.Thr1284Ile).

NM_002972.4(SBF1):c.3851C>T (p.Thr1284Ile)

Gene: SBF1 (SET binding factor 1; minus strand). Cytogenetic location: 22q13.33.
Variant type: single nucleotide variant.
Coding change: c.3851C>T on transcript NM_002972.4 (MANE Select); coding-DNA position 3851, C replaced by T.
Protein change: p.Thr1284Ile; replaces threonine 1284 with isoleucine.
Molecular consequence: missense variant. On other transcripts: intron variant (1).
Genome position (GRCh38, 1-based): chr22:50,457,087, G>A on the plus strand (C>T on the coding strand, the complement: SBF1 is on the minus strand). VCF-style: chr22-50457087-G-A. GRCh37 (hg19) VCF-style: chr22-50895516-G-A.
Other names: c.3854C>T, p.Thr1285Ile (NM_001410794.1); c.3851C>T, p.Thr1284Ile (NM_197971.1); c.3830-414C>T (NM_001365819.1); short protein forms T1284I, T1285I.
Identifiers: ClinVar variation 2162701 (VCV002162701.4), dbSNP rs1447771765, ClinGen allele CA412201411.